The following is an entry in ClinVar:

NM_000321.3(RB1):c.1049+3A>G

Gene: RB1 (RB transcriptional corepressor 1; plus strand). Cytogenetic location: 13q14.2.
Variant type: single nucleotide variant.
Coding change: c.1049+3A>G on transcript NM_000321.3 (MANE Select); 3 bases into the intron after coding-DNA position 1049, A replaced by G.
Molecular consequence: intron variant.
Genome position (GRCh38, 1-based): chr13:48,367,606, A>G. VCF-style: chr13-48367606-A-G. GRCh37 (hg19) VCF-style: chr13-48941742-A-G.
Identifiers: ClinVar variation 573573 (VCV000573573.7), dbSNP rs1566194415, ClinGen allele CA645578645.
Genomic context (GRCh38, chr13:48,367,606, plus strand): 5'-TAGATGCAAGATTATTTTTGGATCATGATAAAACTCTTCAGACTGATTCTATAGACAGGT[A>G]TTGCACATGGTATATTTGATTGATTTGCTTTAGATATAGGTTGATACTGATATAGGTAGA-3'

ClinVar aggregate classification (germline): Pathogenic/Likely pathogenic. Review status: criteria provided, multiple submitters, no conflicts (2 of 4 stars). 2 submissions from 2 submitters: Pathogenic (1); Likely pathogenic (1). Last evaluated 2025-05-02.

Conditions:
Hereditary cancer-predisposing syndrome. Also called: Neoplastic Syndromes, Hereditary; Hereditary Cancer Syndrome; Tumor predisposition; Hereditary neoplastic syndrome. Identifiers: Orphanet 140162, MedGen C0027672, MeSH D009386, MONDO:0015356.
Retinoblastoma (RB1). Also called: RETINOBLASTOMA, SOMATIC. Identifiers: Orphanet 790, MedGen C0035335, MeSH D012175, MONDO:0008380, OMIM 180200, HP:0009919. Disease mechanism: loss of function. Inheritance: Both sporadic and heritable forms are tested..

Submissions (2):

Ambry Genetics
Classification: Likely pathogenic for Hereditary cancer-predisposing syndrome. Last evaluated: 2025-05-02. Review status: criteria provided, single submitter. Criteria: Ambry Variant Classification Scheme 2023. Collection method: clinical testing. Allele origin: germline.
Comment: The c.1049+3A>G intronic variant results from an A to G substitution 3 nucleotides after coding exon 10 in the RB1 gene. This variant has been identified in individuals with retinoblastoma (Richter S et al. Am J Hum Genet, 2003; Zhang K et al. Hum Mutat, 2008 Apr;29:475-84 Feb;72:253-69; Chaussade A et al. Eur J Med Genet, 2019 Mar;62:217-223). This nucleotide position is highly conserved in available vertebrate species. In silico splice site analysis predicts that this alteration will weaken the native splice donor site. RNA studies have demonstrated that this alteration results in abnormal splicing (Zhang K et al. Hum Mutat, 2008 Apr;29:475-84). This variant is considered to be rare based on population cohorts in the Genome Aggregation Database (gnomAD). Based on the majority of available evidence to date, this variant is likely to be pathogenic.

Labcorp Genetics (formerly Invitae), Labcorp
Classification: Pathogenic for Retinoblastoma. Last evaluated: 2023-06-04. Review status: criteria provided, single submitter. Criteria: Invitae Variant Classification Sherloc (09022015). Collection method: clinical testing. Allele origin: germline.
Comment: For these reasons, this variant has been classified as Pathogenic. Variants that disrupt the consensus splice site are a relatively common cause of aberrant splicing (PMID: 17576681, 9536098). Studies have shown that this variant results in multiple products exhibiting exon skipping and introduces a premature termination codon (PMID: 18181215). The resulting mRNA is expected to undergo nonsense-mediated decay. ClinVar contains an entry for this variant (Variation ID: 573573). This variant is also known as IVS10+3A>G or 1187+3A>C . This variant has been observed in individual(s) with retinoblastoma (PMID: 12541220, 18181215, 30031154; Invitae). This variant is not present in population databases (gnomAD no frequency). This sequence change falls in intron 10 of the RB1 gene. It does not directly change the encoded amino acid sequence of the RB1 protein. RNA analysis indicates that this variant induces altered splicing and may result in an absent or disrupted protein product.

Literature cited by the submitters: PubMed 12541220 (cited by Ambry Genetics and Labcorp Genetics (formerly Invitae), Labcorp); PubMed 18181215 (cited by Ambry Genetics and Labcorp Genetics (formerly Invitae), Labcorp); PubMed 30031154 (cited by Ambry Genetics and Labcorp Genetics (formerly Invitae), Labcorp); PubMed 17576681 (cited by Labcorp Genetics (formerly Invitae), Labcorp); PubMed 9536098 (cited by Labcorp Genetics (formerly Invitae), Labcorp).